The following is an entry in ClinVar:

NM_001127222.2(CACNA1A):c.6701A>T (p.Asp2234Val)

Gene: CACNA1A (calcium voltage-gated channel subunit alpha1 A; minus strand). Cytogenetic location: 19p13.13.
Variant type: single nucleotide variant.
Coding change: c.6701A>T on transcript NM_001127222.2 (MANE Select); coding-DNA position 6701, A replaced by T.
Protein change: p.Asp2234Val; replaces aspartic acid 2234 with valine.
Molecular consequence: missense variant.
Genome position (GRCh38, 1-based): chr19:13,208,835, T>A on the plus strand (A>T on the coding strand, the complement: CACNA1A is on the minus strand). VCF-style: chr19-13208835-T-A. GRCh37 (hg19) VCF-style: chr19-13319649-T-A.
Other names: c.6719A>T, p.Asp2240Val (NM_000068.4, NM_023035.3); c.6704A>T, p.Asp2235Val (NM_001127221.2); c.6710A>T, p.Asp2237Val (NM_001174080.2); short protein forms D2240V, D2234V, D2235V, D2237V.
Identifiers: ClinVar variation 2936607 (VCV002936607.3), dbSNP rs2512515643, ClinGen allele CA404329636.

ClinVar aggregate classification (germline): Uncertain significance (1 of 4 stars; one submission).

Conditions:
Episodic ataxia type 2 (EA2). Also called: CEREBELLAR ATAXIA, PAROXYSMAL, ACETAZOLAMIDE-RESPONSIVE; CEREBELLOPATHY, HEREDITARY PAROXYSMAL; EPISODIC ATAXIA, NYSTAGMUS-ASSOCIATED; ACETAZOLAMIDE-RESPONSIVE HEREDITARY PAROXYSMAL CEREBELLAR ATAXIA; ATAXIA, EPISODIC, WITH NYSTAGMUS; ATAXIA, FAMILIAL PAROXYSMAL. Identifiers: Orphanet 97, MedGen C1720416, MONDO:0007163, OMIM 108500.
Developmental and epileptic encephalopathy, 42 (DEE42A). Also called: Epileptic encephalopathy, early infantile, 42; DEVELOPMENTAL AND EPILEPTIC ENCEPHALOPATHY 42A; EPILEPTIC ENCEPHALOPATHY, EARLY INFANTILE, 42A. Identifiers: MedGen C4310716, MONDO:0014917, OMIM 617106.

Submission:

Labcorp Genetics (formerly Invitae), Labcorp
Classification: Uncertain significance for Developmental and epileptic encephalopathy, 42; Episodic ataxia type 2. Last evaluated: 2024-01-31. Review status: criteria provided, single submitter. Criteria: Invitae Variant Classification Sherloc (09022015). Collection method: clinical testing. Allele origin: germline.
Comment: This sequence change replaces aspartic acid, which is acidic and polar, with valine, which is neutral and non-polar, at codon 2235 of the CACNA1A protein (p.Asp2235Val). This variant is not present in population databases (gnomAD no frequency). This variant has not been reported in the literature in individuals affected with CACNA1A-related conditions. Advanced modeling of protein sequence and biophysical properties (such as structural, functional, and spatial information, amino acid conservation, physicochemical variation, residue mobility, and thermodynamic stability) performed at Invitae indicates that this missense variant is not expected to disrupt CACNA1A protein function with a negative predictive value of 95%. In summary, the available evidence is currently insufficient to determine the role of this variant in disease. Therefore, it has been classified as a Variant of Uncertain Significance.